The following is an entry in ClinVar:

ClinVar aggregate classification (germline): Uncertain significance (1 of 4 stars; one submission).

Conditions:
Primary dilated cardiomyopathy (DCM). Also called: Dilated Cardiomyopathy. Identifiers: Orphanet 217604, MedGen C0007193, MeSH D002311, MONDO:0005021, HP:0001644. Inheritance: Various modes of inheritance.
Hypertrophic cardiomyopathy. Also called: HYPERTROPHIC MYOCARDIOPATHY. Identifiers: Orphanet 217569, MedGen C0007194, MeSH D002312, MONDO:0005045, HP:0001639.

gnomAD v4.1: 1 of 1,614,212 alleles (0.000062%); highest among the groups gnomAD compares: African/African-American, 0.0013%; no homozygotes.

Submission:

Labcorp Genetics (formerly Invitae), Labcorp
Classification: Uncertain significance for Hypertrophic cardiomyopathy; Primary dilated cardiomyopathy. Last evaluated: 2024-09-15. Review status: criteria provided, single submitter. Criteria: Invitae Variant Classification Sherloc (09022015). Collection method: clinical testing. Allele origin: germline.
Comment: This sequence change replaces proline, which is neutral and non-polar, with serine, which is neutral and polar, at codon 352 of the PDLIM3 protein (p.Pro352Ser). This variant is present in population databases (no rsID available, gnomAD 0.007%). This variant has not been reported in the literature in individuals affected with PDLIM3-related conditions. An algorithm developed to predict the effect of missense changes on protein structure and function (PolyPhen-2) suggests that this variant is likely to be disruptive. In summary, the available evidence is currently insufficient to determine the role of this variant in disease. Therefore, it has been classified as a Variant of Uncertain Significance.

NM_014476.6(PDLIM3):c.1054C>T (p.Pro352Ser)

Gene: PDLIM3 (PDZ and LIM domain 3; minus strand). Cytogenetic location: 4q35.1.
Variant type: single nucleotide variant.
Coding change: c.1054C>T on transcript NM_014476.6 (MANE Select); coding-DNA position 1054, C replaced by T.
Protein change: p.Pro352Ser; replaces proline 352 with serine.
Molecular consequence: missense variant. On other transcripts: non-coding transcript variant (1).
Genome position (GRCh38, 1-based): chr4:185,502,335, G>A on the plus strand (C>T on the coding strand, the complement: PDLIM3 is on the minus strand). VCF-style: chr4-185502335-G-A. GRCh37 (hg19) VCF-style: chr4-186423489-G-A.
Other names: c.910C>T, p.Pro304Ser (NM_001114107.5); c.790C>T, p.Pro264Ser (NM_001257962.2); c.553C>T, p.Pro185Ser (NM_001257963.2); short protein forms P185S, P264S, P304S, P352S.
Identifiers: ClinVar variation 3762738 (VCV003762738.2).
Genomic context (GRCh38, chr4:185,502,335, plus strand): 5'-GTGCCACGCCTGCAGAGACTTAAGCTTTGGGATACAGAGTGACCGTGTCATAGCCCTCTG[G>A]GGGCTTTGTGCGGGCTCTTGCGTGGGTTTCGCAGTACAGCTCCCCTTCTATGAAGAAGTA-3'
Protein context (NP_055291.2, residues 342-362): ETHARARTKP[Pro352Ser]EGYDTVTLYP